The following is an entry in ClinVar:

NM_013352.4(DSE):c.1968C>A (p.Pro656=)

Gene: DSE (dermatan sulfate epimerase; plus strand). Cytogenetic location: 6q22.1.
Variant type: single nucleotide variant.
Coding change: c.1968C>A on transcript NM_013352.4 (MANE Select); coding-DNA position 1968, C replaced by A.
Protein change: p.Pro656=; no amino-acid change (proline 656 retained).
Molecular consequence: synonymous variant. On other transcripts: 3 prime UTR variant (2), non-coding transcript variant (1).
Genome position (GRCh38, 1-based): chr6:116,436,436, C>A. VCF-style: chr6-116436436-C-A. GRCh37 (hg19) VCF-style: chr6-116757599-C-A.
Other names: c.1968C>A, p.Pro656= (NM_001080976.3, NM_001322937.2, NM_001322938.2); c.2025C>A, p.Pro675= (NM_001322939.2); c.1407C>A, p.Pro469= (NM_001322940.2, NM_001322941.2); c.*833C>A (NM_001322943.2, NM_001322944.2); c.969C>A, p.Pro323= (NM_001374520.1); c.933C>A, p.Pro311= (NM_001374521.1).
Identifiers: ClinVar variation 3057583 (VCV003057583.3), dbSNP rs1784159163, ClinGen allele CA451902064.
Genomic context (GRCh38, chr6:116,436,436, plus strand): 5'-TCGGGGCTATCCCTACAATGGGACAAACTATGTGAATGTCACCATGCACCTCCGAAGTCC[C>A]ATCACCAGGGCAGCTTACCTCTTCATAGGGCCATCTATAGATGTTCAGAGCTTCACTGTC-3'
Protein context (NP_037484.1, residues 646-666): YVNVTMHLRS[Pro656=]ITRAAYLFIG

ClinVar aggregate classification (germline): Likely benign. Review status: criteria provided, single submitter (1 of 4 stars). 2 submissions from 2 submitters: Likely benign (1). 1 of the submissions does not count toward it. Last evaluated 2026-01-26.

Conditions:
Ehlers-Danlos syndrome, musculocontractural type 2 (EDSMC2). Identifiers: Orphanet 2953, MedGen C3809845, MONDO:0014236, OMIM 615539.
DSE-related disorder. Also called: DSE-related condition.

Allele frequency attached by ClinVar (database versions not stated): TOPMed below 0.00001; gnomAD 0.00001; gnomAD exomes 0.00001.

Submissions (2):

Labcorp Genetics (formerly Invitae), Labcorp
Classification: Likely benign for Ehlers-Danlos syndrome, musculocontractural type 2. Last evaluated: 2026-01-26. Review status: criteria provided, single submitter. Criteria: Invitae Variant Classification Sherloc (09022015). Collection method: clinical testing. Allele origin: germline.

PreventionGenetics, part of Exact Sciences
Classification: Likely benign for DSE-related condition. Last evaluated: 2021-12-21. Review status: no assertion criteria provided. Collection method: clinical testing. Allele origin: germline. Not counted in ClinVar's aggregate classification.
Comment: This variant is classified as likely benign based on ACMG/AMP sequence variant interpretation guidelines (Richards et al. 2015 PMID: 25741868, with internal and published modifications).